The following is an entry in ClinVar:

ClinVar aggregate classification (germline): Uncertain significance. Review status: criteria provided, multiple submitters, no conflicts (2 of 4 stars). 2 submissions from 2 submitters: Uncertain significance (2). Last evaluated 2024-09-17.

Conditions:
Alzheimer disease. Also called: Presenile and senile dementia; Alzheimer's disease. Identifiers: Orphanet 1020, MedGen C0002395, MeSH D000544, MONDO:0004975, HP:0002511.

Allele frequency attached by ClinVar (database versions not stated): ESP Exome Variant Server 0.00008; TOPMed 0.00027; 1000 Genomes Project 30x 0.00031; 1000 Genomes Project 0.00040.
gnomAD v4.1: 94 of 1,613,188 alleles (0.0058%); highest among the groups gnomAD compares: African/African-American, 0.1%; no homozygotes.

Submissions (2):

Women's Health and Genetics/Laboratory Corporation of America, LabCorp
Classification: Uncertain significance. Last evaluated: 2024-09-17. Review status: criteria provided, single submitter. Criteria: LabCorp Variant Classification Summary - May 2015. Collection method: clinical testing. Allele origin: germline.
Comment: Variant summary: APP c.*7G>A is located in the untranslated mRNA region downstream of the termination codon. The variant allele was found at a frequency of 5.2e-05 in 251180 control chromosomes, predominantly at a frequency of 0.00074 within the African or African-American subpopulation in the gnomAD database. This frequency is not significantly higher than estimated for a pathogenic variant in APP causing Cerebral Amyloid Angiopathy, APP-Related, allowing no conclusion about variant significance. To our knowledge, no occurrence of c.*7G>A in individuals affected with Cerebral Amyloid Angiopathy, APP-Related and no experimental evidence demonstrating its impact on protein function have been reported. ClinVar contains an entry for this variant (Variation ID: 897922). Based on the evidence outlined above, the variant was classified as uncertain significance.

Illumina Laboratory Services, Illumina
Classification: Uncertain significance for Alzheimer disease type 1. Last evaluated: 2018-01-12. Review status: criteria provided, single submitter. Criteria: ICSL Variant Classification Criteria 13 December 2019. Collection method: clinical testing. Allele origin: germline.

NM_000484.4(APP):c.*7G>A

Gene: APP (amyloid beta precursor protein; minus strand). Cytogenetic location: 21q21.3.
Variant type: single nucleotide variant.
Coding change: c.*7G>A on transcript NM_000484.4 (MANE Select); 7 bases downstream of the stop codon, G replaced by A.
Molecular consequence: 3 prime UTR variant.
Genome position (GRCh38, 1-based): chr21:25,881,663, C>T on the plus strand (G>A on the coding strand, the complement: APP is on the minus strand). VCF-style: chr21-25881663-C-T. GRCh37 (hg19) VCF-style: chr21-27253974-C-T.
Other names: c.*7G>A (NM_001136016.3, NM_001136129.3, NM_001136130.3 and 7 more transcripts).
Identifiers: ClinVar variation 897922 (VCV000897922.5), dbSNP rs201922766, ClinGen allele CA9987003.